The following is an entry in ClinVar:

ClinVar aggregate classification (germline): Uncertain significance (1 of 4 stars; one submission).

Conditions:
Long QT syndrome (LQTS). Identifiers: MedGen C0023976, MeSH D008133, MONDO:0002442. Disease mechanism: loss of function. Inheritance: Various modes of inheritance.

Allele frequency attached by ClinVar (database versions not stated): gnomAD exomes below 0.00001; TOPMed below 0.00001.
gnomAD v4.1: 5 of 1,614,150 alleles (0.00031%); highest among the groups gnomAD compares: Non-Finnish European, 0.000085%; no homozygotes.

Submission:

Labcorp Genetics (formerly Invitae), Labcorp
Classification: Uncertain significance for Long QT syndrome. Last evaluated: 2024-01-22. Review status: criteria provided, single submitter. Criteria: Invitae Variant Classification Sherloc (09022015). Collection method: clinical testing. Allele origin: germline.
Comment: This sequence change replaces valine, which is neutral and non-polar, with methionine, which is neutral and non-polar, at codon 2959 of the ANK2 protein (p.Val2959Met). This variant is present in population databases (no rsID available, gnomAD 0.01%). This variant has not been reported in the literature in individuals affected with ANK2-related conditions. ClinVar contains an entry for this variant (Variation ID: 842235). An algorithm developed to predict the effect of missense changes on protein structure and function (PolyPhen-2) suggests that this variant is likely to be disruptive. In summary, the available evidence is currently insufficient to determine the role of this variant in disease. Therefore, it has been classified as a Variant of Uncertain Significance.

NM_001148.6(ANK2):c.8875G>A (p.Val2959Met)

Gene: ANK2 (ankyrin 2; plus strand). Cytogenetic location: 4q26.
Variant type: single nucleotide variant.
Coding change: c.8875G>A on transcript NM_001148.6 (MANE Select); coding-DNA position 8875, G replaced by A.
Protein change: p.Val2959Met; replaces valine 2959 with methionine.
Molecular consequence: missense variant. On other transcripts: intron variant (68).
Genome position (GRCh38, 1-based): chr4:113,357,493, G>A. VCF-style: chr4-113357493-G-A. GRCh37 (hg19) VCF-style: chr4-114278649-G-A.
Other names: c.8641G>A, p.Val2881Met (NM_001386142.1); c.5275G>A, p.Val1759Met (NM_001386166.1); c.9016G>A, p.Val3006Met (NM_001386174.1); c.8992G>A, p.Val2998Met (NM_001386175.1); c.4412-3330G>A (NM_001386186.2, NM_001386148.2); c.4214-3330G>A (NM_001354269.3); c.4292-3330G>A (NM_001386187.2); c.4253-3330G>A (NM_001386147.1); and 35 more; short protein forms V2959M, V1759M, V2881M, V2998M, V3006M.
Identifiers: ClinVar variation 842235 (VCV000842235.6), dbSNP rs1188089924, ClinGen allele CA357935730.